The following is an entry in ClinVar:

NM_000135.4(FANCA):c.1464C>A (p.Tyr488Ter)

Gene: FANCA (FA complementation group A; minus strand). Cytogenetic location: 16q24.3.
Variant type: single nucleotide variant.
Coding change: c.1464C>A on transcript NM_000135.4 (MANE Select); coding-DNA position 1464, C replaced by A.
Protein change: p.Tyr488Ter; replaces tyrosine 488 with a stop codon.
Molecular consequence: nonsense.
Genome position (GRCh38, 1-based): chr16:89,784,860, G>T on the plus strand (C>A on the coding strand, the complement: FANCA is on the minus strand). VCF-style: chr16-89784860-G-T. GRCh37 (hg19) VCF-style: chr16-89851268-G-T.
Other names: c.1464C>A, p.Tyr488Ter (NM_001286167.3); short protein forms Y488*.
Identifiers: ClinVar variation 3769453 (VCV003769453.3).

ClinVar aggregate classification (germline): Pathogenic. Review status: criteria provided, multiple submitters, no conflicts (2 of 4 stars). 2 submissions from 2 submitters: Pathogenic (2). Last evaluated 2025-02-15.

Conditions:
Fanconi anemia (FA). Also called: Fanconi's anemia. Identifiers: Orphanet 84, MedGen C0015625, MeSH D005199, MONDO:0019391.

gnomAD v4.1: 1 of 1,610,810 alleles (0.000062%); highest among the groups gnomAD compares: East Asian, 0.0022%; no homozygotes.

Submissions (2):

Labcorp Genetics (formerly Invitae), Labcorp
Classification: Pathogenic for Fanconi anemia. Last evaluated: 2025-02-15. Review status: criteria provided, single submitter. Criteria: Invitae Variant Classification Sherloc (09022015). Collection method: clinical testing. Allele origin: germline.
Comment: This sequence change creates a premature translational stop signal (p.Tyr488*) in the FANCA gene. It is expected to result in an absent or disrupted protein product. Loss-of-function variants in FANCA are known to be pathogenic (PMID: 19367192). This variant is not present in population databases (gnomAD no frequency). This premature translational stop signal has been observed in individual(s) with FANCA-related conditions (PMID: 28102861). For these reasons, this variant has been classified as Pathogenic.

Women's Health and Genetics/Laboratory Corporation of America, LabCorp
Classification: Pathogenic for Fanconi anemia. Last evaluated: 2025-01-24. Review status: criteria provided, single submitter. Criteria: LabCorp Variant Classification Summary - May 2015. Collection method: clinical testing. Allele origin: germline.
Comment: Variant summary: FANCA c.1464C>A (p.Tyr488X) results in a premature termination codon, predicted to cause a truncation of the encoded protein or absence of the protein due to nonsense mediated decay, which are commonly known mechanisms for disease. The variant was absent in 251398 control chromosomes. c.1464C>A has been reported in the literature in the homozygous state in at least 1 individual affected with Fanconi Anemia (example, Mori_2019). These report(s) do not provide unequivocal conclusions about association of the variant with Fanconi Anemia. To our knowledge, no experimental evidence demonstrating an impact on protein function has been reported. The following publication has been ascertained in the context of this evaluation (PMID: 30792206). No submitters have cited clinical-significance assessments for this variant to ClinVar, however a different variant with the same protein effect, NM_000135.4(FANCA):c.1464C>G (p.Tyr488Ter), is reported as ClinVar Variation ID: 974213. Based on the evidence outlined above, the variant was classified as pathogenic.

Literature cited by the submitters: PubMed 19367192 (cited by Labcorp Genetics (formerly Invitae), Labcorp); PubMed 28102861 (cited by Labcorp Genetics (formerly Invitae), Labcorp); PubMed 30792206 (cited by Women's Health and Genetics/Laboratory Corporation of America, LabCorp).